The following is an entry in ClinVar:

NM_020166.5(MCCC1):c.1140T>G (p.His380Gln)

Gene: MCCC1 (methylcrotonyl-CoA carboxylase subunit 1; minus strand). Cytogenetic location: 3q27.1.
Variant type: single nucleotide variant.
Coding change: c.1140T>G on transcript NM_020166.5 (MANE Select); coding-DNA position 1140, T replaced by G.
Protein change: p.His380Gln; replaces histidine 380 with glutamine.
Molecular consequence: missense variant. On other transcripts: non-coding transcript variant (2).
Genome position (GRCh38, 1-based): chr3:183,041,694, A>C on the plus strand (T>G on the coding strand, the complement: MCCC1 is on the minus strand). VCF-style: chr3-183041694-A-C. GRCh37 (hg19) VCF-style: chr3-182759482-A-C.
Other names: c.789T>G, p.His263Gln (NM_001293273.2); c.813T>G, p.His271Gln (NM_001363880.1); short protein forms H263Q, H271Q, H380Q.
Identifiers: ClinVar variation 852187 (VCV000852187.10), dbSNP rs1714100545, ClinGen allele CA355323163.

ClinVar aggregate classification (germline): Uncertain significance (1 of 4 stars; one submission).

Conditions:
3-methylcrotonyl-CoA carboxylase 1 deficiency (MCC1D). Also called: MCCD TYPE 1; METHYLCROTONYLGLYCINURIA TYPE I; MCC 1 deficiency; 3 Alpha methylcrotonylglycinuria 1. Identifiers: Orphanet 6, MedGen CN028786, MONDO:0008861, OMIM 210200.

Submission:

Labcorp Genetics (formerly Invitae), Labcorp
Classification: Uncertain significance for 3-methylcrotonyl-CoA carboxylase 1 deficiency. Last evaluated: 2019-12-27. Review status: criteria provided, single submitter. Criteria: Invitae Variant Classification Sherloc (09022015). Collection method: clinical testing. Allele origin: germline.
Comment: This variant has not been reported in the literature in individuals with MCCC1-related conditions. This variant is not present in population databases (ExAC no frequency). This sequence change replaces histidine with glutamine at codon 380 of the MCCC1 protein (p.His380Gln). The histidine residue is highly conserved and there is a small physicochemical difference between histidine and glutamine. Algorithms developed to predict the effect of missense changes on protein structure and function (SIFT, PolyPhen-2, Align-GVGD) all suggest that this variant is likely to be tolerated, but these predictions have not been confirmed by published functional studies and their clinical significance is uncertain. In summary, the available evidence is currently insufficient to determine the role of this variant in disease. Therefore, it has been classified as a Variant of Uncertain Significance.